The following is an entry in ClinVar:

ClinVar aggregate classification (germline): Uncertain significance (1 of 4 stars; one submission).

Submission:

Labcorp Genetics (formerly Invitae), Labcorp
Classification: Uncertain significance. Last evaluated: 2022-07-28. Review status: criteria provided, single submitter. Criteria: Invitae Variant Classification Sherloc (09022015). Collection method: clinical testing. Allele origin: germline.
Comment: In summary, the available evidence is currently insufficient to determine the role of this variant in disease. Therefore, it has been classified as a Variant of Uncertain Significance. This sequence change replaces asparagine, which is neutral and polar, with lysine, which is basic and polar, at codon 1967 of the CHD8 protein (p.Asn1967Lys). This variant is not present in population databases (gnomAD no frequency). This variant has not been reported in the literature in individuals affected with CHD8-related conditions. Algorithms developed to predict the effect of missense changes on protein structure and function (SIFT, PolyPhen-2, Align-GVGD) all suggest that this variant is likely to be tolerated.

NM_001170629.2(CHD8):c.5901C>G (p.Asn1967Lys)

Gene: CHD8 (chromodomain helicase DNA binding protein 8; minus strand). Cytogenetic location: 14q11.2.
Variant type: single nucleotide variant.
Coding change: c.5901C>G on transcript NM_001170629.2 (MANE Select); coding-DNA position 5901, C replaced by G.
Protein change: p.Asn1967Lys; replaces asparagine 1967 with lysine.
Molecular consequence: missense variant.
Genome position (GRCh38, 1-based): chr14:21,393,894, G>C on the plus strand (C>G on the coding strand, the complement: CHD8 is on the minus strand). VCF-style: chr14-21393894-G-C. GRCh37 (hg19) VCF-style: chr14-21862053-G-C.
Other names: c.5064C>G, p.Asn1688Lys (NM_020920.4); short protein forms N1688K, N1967K.
Identifiers: ClinVar variation 1714047 (VCV001714047.5), dbSNP rs763228229, ClinGen allele CA388880808.